The following is an entry in ClinVar:

NM_133433.4(NIPBL):c.3778G>A (p.Asp1260Asn)

Gene: NIPBL (NIPBL cohesin loading factor; plus strand). Cytogenetic location: 5p13.2.
Variant type: single nucleotide variant.
Coding change: c.3778G>A on transcript NM_133433.4 (MANE Select); coding-DNA position 3778, G replaced by A.
Protein change: p.Asp1260Asn; replaces aspartic acid 1260 with asparagine.
Molecular consequence: missense variant.
Genome position (GRCh38, 1-based): chr5:37,003,270, G>A. VCF-style: chr5-37003270-G-A. GRCh37 (hg19) VCF-style: chr5-37003372-G-A.
Other names: c.3778G>A, p.Asp1260Asn (NM_015384.5); short protein forms D1260N.
Identifiers: ClinVar variation 1469857 (VCV001469857.1), dbSNP rs2149673199, ClinGen allele CA359521724.

ClinVar aggregate classification (germline): Uncertain significance (1 of 4 stars; one submission).

Conditions:
Cornelia de Lange syndrome 1 (CDLS1). Also called: Brachmann de Lange syndrome; NIPBL-Related Cornelia de Lange Syndrome; TYPUS DEGENERATIVUS AMSTELODAMENSIS. Identifiers: Orphanet 199, MedGen C4551851, MONDO:0007387, OMIM 122470.

Submission:

Labcorp Genetics (formerly Invitae), Labcorp
Classification: Uncertain significance for Cornelia de Lange syndrome 1. Last evaluated: 2021-10-22. Review status: criteria provided, single submitter. Criteria: Invitae Variant Classification Sherloc (09022015). Collection method: clinical testing. Allele origin: germline.
Comment: This sequence change replaces aspartic acid with asparagine at codon 1260 of the NIPBL protein (p.Asp1260Asn). The aspartic acid residue is moderately conserved and there is a small physicochemical difference between aspartic acid and asparagine. This variant is not present in population databases (ExAC no frequency). This variant has not been reported in the literature in individuals affected with NIPBL-related conditions. Algorithms developed to predict the effect of missense changes on protein structure and function are either unavailable or do not agree on the potential impact of this missense change (SIFT: "Deleterious"; PolyPhen-2: "Benign"; Align-GVGD: "Class C0"). In summary, the available evidence is currently insufficient to determine the role of this variant in disease. Therefore, it has been classified as a Variant of Uncertain Significance.